The following is an entry in ClinVar:

NM_000108.5(DLD):c.39+3G>C

Gene: DLD (dihydrolipoamide dehydrogenase; plus strand). Cytogenetic location: 7q31.1.
Variant type: single nucleotide variant.
Coding change: c.39+3G>C on transcript NM_000108.5 (MANE Select); 3 bases into the intron after coding-DNA position 39, G replaced by C.
Molecular consequence: intron variant.
Genome position (GRCh38, 1-based): chr7:107,891,292, G>C. VCF-style: chr7-107891292-G-C. GRCh37 (hg19) VCF-style: chr7-107531737-G-C.
Other names: c.39+3G>C (NM_001289752.1, NM_001289751.1); c.-110+3G>C (NM_001289750.1).
Identifiers: ClinVar variation 1483123 (VCV001483123.3), dbSNP rs2031564629, ClinGen allele CA1732849930.

ClinVar aggregate classification (germline): Uncertain significance (1 of 4 stars; one submission).

Conditions:
Pyruvate dehydrogenase E3 deficiency (DLDD). Also called: Dihydrolipoamide Dehydrogenase (E3) Deficiency; MAPLE SYRUP URINE DISEASE, TYPE III; DLD DEFICIENCY; E3 DEFICIENCY; Dihydrolipoamide Dehydrogenase Deficiency; Lipoamide dehydrogenase deficiency, lactic acidosis due to. Identifiers: Orphanet 2394, Orphanet 765, MedGen C5574660, MONDO:0009529, OMIM 246900.

Allele frequency attached by ClinVar (database versions not stated): TOPMed below 0.00001.

Submission:

Labcorp Genetics (formerly Invitae), Labcorp
Classification: Uncertain significance for Pyruvate dehydrogenase E3 deficiency. Last evaluated: 2021-06-19. Review status: criteria provided, single submitter. Criteria: Invitae Variant Classification Sherloc (09022015). Collection method: clinical testing. Allele origin: germline.
Comment: This sequence change falls in intron 1 of the DLD gene. It does not directly change the encoded amino acid sequence of the DLD protein. It affects a nucleotide within the consensus splice site of the intron. This variant is not present in population databases (ExAC no frequency). This variant has not been reported in the literature in individuals with DLD-related conditions. Nucleotide substitutions within the consensus splice site are a relatively common cause of aberrant splicing (PMID: 17576681, 9536098). Algorithms developed to predict the effect of sequence changes on RNA splicing suggest that this variant may disrupt the consensus splice site, but this prediction has not been confirmed by published transcriptional studies. In summary, the available evidence is currently insufficient to determine the role of this variant in disease. Therefore, it has been classified as a Variant of Uncertain Significance.

Literature cited by the submitters: PubMed 17576681; PubMed 9536098.